The following is an entry in ClinVar:

ClinVar aggregate classification (germline): Uncertain significance. Review status: criteria provided, single submitter (1 of 4 stars). 2 submissions from 2 submitters: Uncertain significance (1). 1 of the submissions does not count toward it. Last evaluated 2023-10-30.

Conditions:
SMARCA4-related disorder. Also called: SMARCA4-related condition.
Rhabdoid tumor predisposition syndrome 2 (RTPS2). Identifiers: Orphanet 231108, Orphanet 69077, MedGen C2750074, MONDO:0013224, OMIM 613325.

Submissions (2):

Labcorp Genetics (formerly Invitae), Labcorp
Classification: Uncertain significance for Rhabdoid tumor predisposition syndrome 2. Last evaluated: 2023-10-30. Review status: criteria provided, single submitter. Criteria: Invitae Variant Classification Sherloc (09022015). Collection method: clinical testing. Allele origin: germline.
Comment: This sequence change replaces glutamic acid, which is acidic and polar, with aspartic acid, which is acidic and polar, at codon 1558 of the SMARCA4 protein (p.Glu1558Asp). This variant is not present in population databases (gnomAD no frequency). This variant has not been reported in the literature in individuals affected with SMARCA4-related conditions. Advanced modeling of protein sequence and biophysical properties (such as structural, functional, and spatial information, amino acid conservation, physicochemical variation, residue mobility, and thermodynamic stability) has been performed at Invitae for this missense variant, however the output from this modeling did not meet the statistical confidence thresholds required to predict the impact of this variant on SMARCA4 protein function. In summary, the available evidence is currently insufficient to determine the role of this variant in disease. Therefore, it has been classified as a Variant of Uncertain Significance.

PreventionGenetics, part of Exact Sciences
Classification: Uncertain significance for SMARCA4-related condition. Last evaluated: 2024-07-12. Review status: no assertion criteria provided. Collection method: clinical testing. Allele origin: germline. Not counted in ClinVar's aggregate classification.
Comment: The SMARCA4 c.4674G>C variant is predicted to result in the amino acid substitution p.Glu1558Asp. To our knowledge, this variant has not been reported in the literature or in a large population database, indicating this variant is rare. This variant is interpreted as uncertain significance in ClinVar. At this time, the clinical significance of this variant is uncertain due to the absence of conclusive functional and genetic evidence.

NM_003072.5(SMARCA4):c.4578G>C (p.Glu1526Asp)

Gene: SMARCA4 (SWI/SNF related BAF chromatin remodeling complex subunit ATPase 4; plus strand). Cytogenetic location: 19p13.2.
Variant type: single nucleotide variant.
Coding change: c.4578G>C on transcript NM_003072.5 (MANE Select); coding-DNA position 4578, G replaced by C.
Protein change: p.Glu1526Asp; replaces glutamic acid 1526 with aspartic acid.
Molecular consequence: missense variant. On other transcripts: non-coding transcript variant (1).
Genome position (GRCh38, 1-based): chr19:11,058,832, G>C. VCF-style: chr19-11058832-G-C. GRCh37 (hg19) VCF-style: chr19-11169508-G-C.
Other names: c.4674G>C (NM_001128849.1); c.4578G>C, p.Glu1526Asp (NM_001128844.3); c.4488G>C, p.Glu1496Asp (NM_001128845.2); c.4485G>C, p.Glu1495Asp (NM_001128846.2); c.4479G>C, p.Glu1493Asp (NM_001128847.4, NM_001374457.1); c.4476G>C, p.Glu1492Asp (NM_001128848.2); c.4674G>C, p.Glu1558Asp (NM_001128849.3, NM_001387283.1); c.4575G>C, p.Glu1525Asp (NM_001411150.1); short protein forms E1496D, E1493D, E1492D, E1525D, E1558D, E1495D, E1526D.
Identifiers: ClinVar variation 2773013 (VCV002773013.4), dbSNP rs2147097819, ClinGen allele CA404078870.